The following is an entry in ClinVar:

ClinVar aggregate classification (germline): Uncertain significance. Review status: criteria provided, multiple submitters, no conflicts (2 of 4 stars). 2 submissions from 2 submitters: Uncertain significance (2). Last evaluated 2025-12-15.

Conditions:
Baller-Gerold syndrome (BGS). Also called: CRANIOSYNOSTOSIS WITH RADIAL DEFECTS. Identifiers: Orphanet 1225, MedGen C0265308, MONDO:0009039, OMIM 218600.

Allele frequency attached by ClinVar (database versions not stated): ExAC 0.00001; gnomAD 0.00001 and 0.00002; gnomAD exomes 0.00001 and 0.00002; TOPMed 0.00001; ESP Exome Variant Server 0.00008.
gnomAD v4.1: 33 of 1,612,338 alleles (0.002%); highest among the groups gnomAD compares: Non-Finnish European, 0.0025%; no homozygotes.

Submissions (2):

Labcorp Genetics (formerly Invitae), Labcorp
Classification: Uncertain significance for Baller-Gerold syndrome. Last evaluated: 2025-12-15. Review status: criteria provided, single submitter. Criteria: Invitae Variant Classification Sherloc (09022015). Collection method: clinical testing. Allele origin: germline.
Comment: This sequence change replaces valine, which is neutral and non-polar, with methionine, which is neutral and non-polar, at codon 102 of the RECQL4 protein (p.Val102Met). This variant is present in population databases (rs377536752, gnomAD 0.002%). This variant has not been reported in the literature in individuals affected with RECQL4-related conditions. ClinVar contains an entry for this variant (Variation ID: 529045). Invitae Evidence Modeling of protein sequence and biophysical properties (such as structural, functional, and spatial information, amino acid conservation, physicochemical variation, residue mobility, and thermodynamic stability) has been performed for this missense variant. However, the output from this modeling did not meet the statistical confidence thresholds required to predict the impact of this variant on RECQL4 protein function. In summary, the available evidence is currently insufficient to determine the role of this variant in disease. Therefore, it has been classified as a Variant of Uncertain Significance.

Mayo Clinic Laboratories, Mayo Clinic
Classification: Uncertain significance. Last evaluated: 2025-01-23. Review status: criteria provided, single submitter. Criteria: ACMG Guidelines, 2015. Collection method: clinical testing. Allele origin: germline. Observed: 1 variant allele.
Comment: BP4, PM2_supporting

NM_004260.4(RECQL4):c.304G>A (p.Val102Met)

Gene: RECQL4 (RecQ like helicase 4; minus strand). Cytogenetic location: 8q24.3.
Variant type: single nucleotide variant.
Coding change: c.304G>A on transcript NM_004260.4 (MANE Select); coding-DNA position 304, G replaced by A.
Protein change: p.Val102Met; replaces valine 102 with methionine.
Molecular consequence: missense variant.
Genome position (GRCh38, 1-based): chr8:144,517,100, C>T on the plus strand (G>A on the coding strand, the complement: RECQL4 is on the minus strand). VCF-style: chr8-144517100-C-T. GRCh37 (hg19) VCF-style: chr8-145742484-C-T.
Other names: p.Val102Met; short protein forms V102M.
Identifiers: ClinVar variation 529045 (VCV000529045.7), dbSNP rs377536752, ClinGen allele CA4949386.